The following is an entry in ClinVar:

ClinVar aggregate classification (germline): Uncertain significance (1 of 4 stars; one submission).

Conditions:
Hereditary sensory and autonomic neuropathy type 7. Also called: HSAN VII; Neuropathy, hereditary sensory and autonomic, type VII. Identifiers: Orphanet 391397, MedGen C3809882, MONDO:0014244, OMIM 615548.
Familial episodic pain syndrome with predominantly lower limb involvement. Also called: Episodic pain syndrome, familial, 3. Identifiers: Orphanet 391384, Orphanet 391392, MedGen C3809899, MONDO:0014247, OMIM 615552.

Allele frequency attached by ClinVar (database versions not stated): gnomAD 0.00001; ExAC 0.00002; gnomAD exomes 0.00003; 1000 Genomes Project 30x 0.00016; 1000 Genomes Project 0.00020.
gnomAD v4.1: 13 of 1,613,516 alleles (0.00081%); highest among the groups gnomAD compares: African/African-American, 0.004%; no homozygotes.

Submission:

Labcorp Genetics (formerly Invitae), Labcorp
Classification: Uncertain significance for Familial episodic pain syndrome with predominantly lower limb involvement; Hereditary sensory and autonomic neuropathy type 7. Last evaluated: 2022-04-04. Review status: criteria provided, single submitter. Criteria: Invitae Variant Classification Sherloc (09022015). Collection method: clinical testing. Allele origin: germline.
Comment: This sequence change replaces arginine, which is basic and polar, with glutamine, which is neutral and polar, at codon 192 of the SCN11A protein (p.Arg192Gln). This variant is present in population databases (rs554286806, gnomAD 0.01%). This variant has not been reported in the literature in individuals affected with SCN11A-related conditions. ClinVar contains an entry for this variant (Variation ID: 1025404). Algorithms developed to predict the effect of missense changes on protein structure and function (SIFT, PolyPhen-2, Align-GVGD) all suggest that this variant is likely to be disruptive. In summary, the available evidence is currently insufficient to determine the role of this variant in disease. Therefore, it has been classified as a Variant of Uncertain Significance.

NM_001349253.2(SCN11A):c.575G>A (p.Arg192Gln)

Gene: SCN11A (sodium voltage-gated channel alpha subunit 11; minus strand). Cytogenetic location: 3p22.2.
Variant type: single nucleotide variant.
Coding change: c.575G>A on transcript NM_001349253.2 (MANE Select); coding-DNA position 575, G replaced by A.
Protein change: p.Arg192Gln; replaces arginine 192 with glutamine.
Molecular consequence: missense variant.
Genome position (GRCh38, 1-based): chr3:38,926,845, C>T on the plus strand (G>A on the coding strand, the complement: SCN11A is on the minus strand). VCF-style: chr3-38926845-C-T. GRCh37 (hg19) VCF-style: chr3-38968336-C-T.
Other names: c.575G>A, p.Arg192Gln (NM_014139.3); short protein forms R192Q.
Identifiers: ClinVar variation 1025404 (VCV001025404.5), dbSNP rs554286806, ClinGen allele CA2322585.
Genomic context (GRCh38, chr3:38,926,845, plus strand): 5'-CATCTTTAATATTCTTACGCTATTCCAATGACAATGGAGTCCAGCCAGTTCCATGGATCT[C>T]GAAGGAAAGAAAACTCATCCAGAATGAAACCTCTTGCCAATATTTTAATCAAAGCTTCAA-3'
Protein context (NP_001336182.1, residues 182-202): GFILDEFSFL[Arg192Gln]DPWNWLDSIV